The following is an entry in ClinVar:

NM_015158.5(KANK1):c.2062A>T (p.Thr688Ser)

Gene: KANK1 (KN motif and ankyrin repeat domains 1; plus strand). Cytogenetic location: 9p24.3.
Variant type: single nucleotide variant.
Coding change: c.2062A>T on transcript NM_015158.5 (MANE Select); coding-DNA position 2062, A replaced by T.
Protein change: p.Thr688Ser; replaces threonine 688 with serine.
Molecular consequence: missense variant. On other transcripts: non-coding transcript variant (1).
Genome position (GRCh38, 1-based): chr9:712,828, A>T. VCF-style: chr9-712828-A-T. GRCh37 (hg19) VCF-style: chr9-712828-A-T.
Other names: c.2062A>T, p.Thr688Ser (NM_001256876.3, NM_001256877.3, NM_001354331.2 and 2 more transcripts); c.1588A>T, p.Thr530Ser (NM_001354333.2, NM_001354335.2, NM_001354336.2 and 9 more transcripts); short protein forms T688S, T530S.
Identifiers: ClinVar variation 2200616 (VCV002200616.17), dbSNP rs376038191, ClinGen allele CA4960407.

ClinVar aggregate classification (germline): Conflicting classifications of pathogenicity. Review status: criteria provided, conflicting classifications (1 of 4 stars). 2 submissions from 2 submitters: Uncertain significance (1); Likely benign (1). Last evaluated 2026-06-01.

Allele frequency attached by ClinVar (database versions not stated): gnomAD exomes 0.00014; ExAC 0.00018; 1000 Genomes Project 30x 0.00031; 1000 Genomes Project 0.00040; TOPMed 0.00003; ESP Exome Variant Server 0.00008; gnomAD 0.00009.
gnomAD v4.1: 224 of 1,613,936 alleles (0.014%); highest among the groups gnomAD compares: South Asian, 0.18%; 4 homozygotes.

Submissions (2):

CeGaT Center for Human Genetics Tuebingen
Classification: Likely benign. Last evaluated: 2026-06-01. Review status: criteria provided, single submitter. Criteria: CeGaT Center For Human Genetics Tuebingen Variant Classification Criteria Version 2. Collection method: clinical testing. Allele origin: germline. Affected: yes. Observed: 2 variant alleles.
Comment: KANK1: BP4

Labcorp Genetics (formerly Invitae), Labcorp
Classification: Uncertain significance. Last evaluated: 2025-10-20. Review status: criteria provided, single submitter. Criteria: Invitae Variant Classification Sherloc (09022015). Collection method: clinical testing. Allele origin: germline.
Comment: This sequence change replaces threonine, which is neutral and polar, with serine, which is neutral and polar, at codon 688 of the KANK1 protein (p.Thr688Ser). This variant is present in population databases (rs376038191, gnomAD 0.1%), and has an allele count higher than expected for a pathogenic variant. This variant has not been reported in the literature in individuals affected with KANK1-related conditions. ClinVar contains an entry for this variant (Variation ID: 2200616). Invitae Evidence Modeling of protein sequence and biophysical properties (such as structural, functional, and spatial information, amino acid conservation, physicochemical variation, residue mobility, and thermodynamic stability) indicates that this missense variant is not expected to disrupt KANK1 protein function with a negative predictive value of 80%. In summary, the available evidence is currently insufficient to determine the role of this variant in disease. Therefore, it has been classified as a Variant of Uncertain Significance.